The following is an entry in ClinVar:

ClinVar aggregate classification (germline): Conflicting classifications of pathogenicity. Review status: criteria provided, conflicting classifications (1 of 4 stars). 3 submissions from 3 submitters: Uncertain significance (2); Likely benign (1). Last evaluated 2025-08-22.

Conditions:
Cardiomyopathy (CMYO). Also called: Cardiomyopathies. Identifiers: Orphanet 167848, MedGen C0878544, MONDO:0004994, HP:0001638. Inheritance: Various modes of inheritance.
Arrhythmogenic right ventricular dysplasia 10. Also called: Arrhythmogenic Right Ventricular Dysplasia/Cardiomyopathy10; ARRHYTHMOGENIC RIGHT VENTRICULAR DYSPLASIA, FAMILIAL, 10; Arrhythmogenic right ventricular dysplasia/cardiomyopathy, type 10. Identifiers: MedGen C1857777, MONDO:0012434, OMIM 610193.

Allele frequency attached by ClinVar (database versions not stated): gnomAD exomes 0.00001 and below 0.00001; TOPMed below 0.00001; gnomAD 0.00001.
gnomAD v4.1: 15 of 1,614,206 alleles (0.00093%); highest among the groups gnomAD compares: South Asian, 0.0044%; no homozygotes.

Submissions (3):

Color Diagnostics, LLC DBA Color Health
Classification: Uncertain significance for Cardiomyopathy. Last evaluated: 2025-08-22. Review status: criteria provided, single submitter. Criteria: ACMG Guidelines, 2015. Collection method: clinical testing. Allele origin: germline.
Comment: This missense variant replaces asparagine with serine at codon 488 of the DSG2 protein. Computational prediction suggests that this variant may not impact protein structure and function. To our knowledge, functional studies have not been reported for this variant. This variant has not been reported in individuals affected with DSG2-related disorders in the literature. This variant has been identified in 1/249352 chromosomes in the general population by the Genome Aggregation Database (gnomAD). The available evidence is insufficient to determine the role of this variant in disease conclusively. Therefore, this variant is classified as a Variant of Uncertain Significance.

Labcorp Genetics (formerly Invitae), Labcorp
Classification: Uncertain significance for Arrhythmogenic right ventricular dysplasia 10. Last evaluated: 2024-11-25. Review status: criteria provided, single submitter. Criteria: Invitae Variant Classification Sherloc (09022015). Collection method: clinical testing. Allele origin: germline.
Comment: This sequence change replaces asparagine, which is neutral and polar, with serine, which is neutral and polar, at codon 488 of the DSG2 protein (p.Asn488Ser). This variant is present in population databases (rs794728078, gnomAD 0.0009%). This variant has not been reported in the literature in individuals affected with DSG2-related conditions. ClinVar contains an entry for this variant (Variation ID: 199788). Invitae Evidence Modeling of protein sequence and biophysical properties (such as structural, functional, and spatial information, amino acid conservation, physicochemical variation, residue mobility, and thermodynamic stability) indicates that this missense variant is not expected to disrupt DSG2 protein function with a negative predictive value of 95%. In summary, the available evidence is currently insufficient to determine the role of this variant in disease. Therefore, it has been classified as a Variant of Uncertain Significance.

GeneDx
Classification: Likely benign. Last evaluated: 2014-04-22. Review status: criteria provided, single submitter. Criteria: GeneDx Variant Classification (06012015). Collection method: clinical testing. Allele origin: germline. Affected: yes.
Comment: This variant is considered likely benign or benign based on one or more of the following criteria: it is a conservative change, it occurs at a poorly conserved position in the protein, it is predicted to be benign by multiple in silico algorithms, and/or has population frequency not consistent with disease.

NM_001943.5(DSG2):c.1463A>G (p.Asn488Ser)

Gene: DSG2 (desmoglein 2; plus strand). Cytogenetic location: 18q12.1.
Variant type: single nucleotide variant.
Coding change: c.1463A>G on transcript NM_001943.5 (MANE Select); coding-DNA position 1463, A replaced by G.
Protein change: p.Asn488Ser; replaces asparagine 488 with serine.
Molecular consequence: missense variant.
Genome position (GRCh38, 1-based): chr18:31,536,241, A>G. VCF-style: chr18-31536241-A-G. GRCh37 (hg19) VCF-style: chr18-29116204-A-G.
Other names: p.N488S:AAT>AGT; c.1463A>G (LRG_397t1); short protein forms N488S.
Identifiers: ClinVar variation 199788 (VCV000199788.9), dbSNP rs794728078, ClinGen allele CA021387.
Genomic context (GRCh38, chr18:31,536,241, plus strand): 5'-TTTTTCTCTCTTATTTTTAAGATTATCCTAGAAAAACCATCACTGGCACAGTCCTTATCA[A>G]TGTTGAAGACATCAACGACAACTGTCCCACACTGATAGAGCCTGTGCAGACAATCTGTCA-3'
Protein context (NP_001934.2, residues 478-498): RKTITGTVLI[Asn488Ser]VEDINDNCPT